The following is an entry in ClinVar:

NM_001330691.3(CEP78):c.2012C>T (p.Pro671Leu)

Gene: CEP78 (centrosomal protein 78; plus strand). Cytogenetic location: 9q21.2.
Variant type: single nucleotide variant.
Coding change: c.2012C>T on transcript NM_001330691.3 (MANE Select); coding-DNA position 2012, C replaced by T.
Protein change: p.Pro671Leu; replaces proline 671 with leucine.
Molecular consequence: missense variant.
Genome position (GRCh38, 1-based): chr9:78,266,608, C>T. VCF-style: chr9-78266608-C-T. GRCh37 (hg19) VCF-style: chr9-80881524-C-T.
Other names: c.2015C>T, p.Pro672Leu (NM_001098802.3, NM_001349839.2); c.1964C>T, p.Pro655Leu (NM_001330693.3, NM_001330694.2); c.2012C>T, p.Pro671Leu (NM_001349838.2); c.1967C>T, p.Pro656Leu (NM_001349840.2, NM_032171.3); short protein forms P655L, P656L, P672L, P671L.
Identifiers: ClinVar variation 843788 (VCV000843788.10), dbSNP rs770261747, ClinGen allele CA5095409.
Genomic context (GRCh38, chr9:78,266,608, plus strand): 5'-TCCCAGCTACTGAGCAGCGGCAGGAGTCTTTTGAAGGATTCATTGCTAGAATGTGTTCTC[C>T]TTCACCAGATGCGACTTCTGGAACTGGAAGTCAAAGAAAAGAAGAGGAGTTGTCCAGAAA-3'
Protein context (NP_001317620.1, residues 661-681): FEGFIARMCS[Pro671Leu]SPDATSGTGS

ClinVar aggregate classification (germline): Uncertain significance. Review status: criteria provided, multiple submitters, no conflicts (2 of 4 stars). 3 submissions from 3 submitters: Uncertain significance (3). Last evaluated 2022-11-02.

Conditions:
Cone-rod dystrophy and hearing loss 1 (CRDHL1). Identifiers: MedGen C5193018, MONDO:0020778, OMIM 617236.

Allele frequency attached by ClinVar (database versions not stated): gnomAD 0.00001; TOPMed 0.00002; ExAC 0.00004; gnomAD exomes 0.00004 and 0.00006.
gnomAD v4.1: 59 of 1,613,394 alleles (0.0037%); highest among the groups gnomAD compares: East Asian, 0.12%; no homozygotes.

Submissions (3):

Blueprint Genetics
Classification: Uncertain significance. Last evaluated: 2022-11-02. Review status: criteria provided, single submitter. Criteria: ACMG Guidelines, 2015. Collection method: clinical testing. Allele origin: germline.

Labcorp Genetics (formerly Invitae), Labcorp
Classification: Uncertain significance. Last evaluated: 2021-09-01. Review status: criteria provided, single submitter. Criteria: Invitae Variant Classification Sherloc (09022015). Collection method: clinical testing. Allele origin: germline.
Comment: This sequence change replaces proline with leucine at codon 672 of the CEP78 protein (p.Pro672Leu). The proline residue is moderately conserved and there is a moderate physicochemical difference between proline and leucine. This variant is present in population databases (rs770261747, ExAC 0.06%). This variant has not been reported in the literature in individuals affected with CEP78-related conditions. Algorithms developed to predict the effect of missense changes on protein structure and function output the following: SIFT: "Tolerated"; PolyPhen-2: "Probably Damaging"; Align-GVGD: "Class C0". The leucine amino acid residue is found in multiple mammalian species, which suggests that this missense change does not adversely affect protein function. In summary, the available evidence is currently insufficient to determine the role of this variant in disease. Therefore, it has been classified as a Variant of Uncertain Significance.

Juno Genomics, Hangzhou Juno Genomics, Inc
Classification: Uncertain significance for Cone-rod dystrophy and hearing loss 1. Review status: criteria provided, single submitter. Criteria: ACMG Guidelines, 2015. Collection method: clinical testing. Allele origin: germline.
Comment: Absent from controls (or at extremely low frequency if recessive) in Genome Aggregation Database.;Multiple lines of computational evidence support a deleterious effect on the gene or gene product.